The following is an entry in ClinVar:

ClinVar aggregate classification (germline): Uncertain significance (1 of 4 stars; one submission).

Allele frequency attached by ClinVar (database versions not stated): TOPMed below 0.00001.
gnomAD v4.1: 1 of 1,614,130 alleles (0.000062%); highest among the groups gnomAD compares: Non-Finnish European, 0.000085%; no homozygotes.

Submission:

Labcorp Genetics (formerly Invitae), Labcorp
Classification: Uncertain significance. Last evaluated: 2024-12-02. Review status: criteria provided, single submitter. Criteria: Invitae Variant Classification Sherloc (09022015). Collection method: clinical testing. Allele origin: germline.
Comment: This sequence change replaces threonine, which is neutral and polar, with methionine, which is neutral and non-polar, at codon 62 of the CD55 protein (p.Thr62Met). This variant is not present in population databases (gnomAD no frequency). This variant has not been reported in the literature in individuals affected with CD55-related conditions. ClinVar contains an entry for this variant (Variation ID: 1923413). Invitae Evidence Modeling of protein sequence and biophysical properties (such as structural, functional, and spatial information, amino acid conservation, physicochemical variation, residue mobility, and thermodynamic stability) indicates that this missense variant is not expected to disrupt CD55 protein function with a negative predictive value of 80%. In summary, the available evidence is currently insufficient to determine the role of this variant in disease. Therefore, it has been classified as a Variant of Uncertain Significance.

NM_000574.5(CD55):c.185C>T (p.Thr62Met)

Gene: CD55 (CD55 molecule (Cromer blood group); plus strand). Cytogenetic location: 1q32.2.
Variant type: single nucleotide variant.
Coding change: c.185C>T on transcript NM_000574.5 (MANE Select); coding-DNA position 185, C replaced by T.
Protein change: p.Thr62Met; replaces threonine 62 with methionine.
Molecular consequence: missense variant. On other transcripts: non-coding transcript variant (1).
Genome position (GRCh38, 1-based): chr1:207,322,466, C>T. VCF-style: chr1-207322466-C-T. GRCh37 (hg19) VCF-style: chr1-207495811-C-T.
Other names: c.185C>T, p.Thr62Met (NM_001114752.3, NM_001300902.2, NM_001300903.2 and 1 more transcripts); short protein forms T62M.
Identifiers: ClinVar variation 1923413 (VCV001923413.5), dbSNP rs1654463053, ClinGen allele CA344515311.